The following is an entry in ClinVar:

NM_016343.4(CENPF):c.3352C>G (p.Gln1118Glu)

Gene: CENPF (centromere protein F; plus strand). Cytogenetic location: 1q41.
Variant type: single nucleotide variant.
Coding change: c.3352C>G on transcript NM_016343.4 (MANE Select); coding-DNA position 3352, C replaced by G.
Protein change: p.Gln1118Glu; replaces glutamine 1118 with glutamic acid.
Molecular consequence: missense variant.
Genome position (GRCh38, 1-based): chr1:214,641,690, C>G. VCF-style: chr1-214641690-C-G. GRCh37 (hg19) VCF-style: chr1-214815033-C-G.
Other names: short protein forms Q1118E.
Identifiers: ClinVar variation 1309197 (VCV001309197.7), dbSNP rs200341117, ClinGen allele CA1390390.

ClinVar aggregate classification (germline): Conflicting classifications of pathogenicity. Review status: criteria provided, conflicting classifications (1 of 4 stars). 3 submissions from 3 submitters: Uncertain significance (2); Benign (1). Last evaluated 2025-12-01.

Allele frequency attached by ClinVar (database versions not stated): ESP Exome Variant Server 0.00015; gnomAD 0.00019 and 0.00021; gnomAD exomes 0.00020 and 0.00035; TOPMed 0.00025; ExAC 0.00026.
gnomAD v4.1: 314 of 1,578,222 alleles (0.02%); highest among the groups gnomAD compares: East Asian, 0.11%; 1 homozygote.

Submissions (3):

Labcorp Genetics (formerly Invitae), Labcorp
Classification: Benign. Last evaluated: 2025-12-01. Review status: criteria provided, single submitter. Criteria: Invitae Variant Classification Sherloc (09022015). Collection method: clinical testing. Allele origin: germline.

GeneDx
Classification: Uncertain significance. Last evaluated: 2019-10-14. Review status: criteria provided, single submitter. Criteria: GeneDx Variant Classification Process June 2021. Collection method: clinical testing. Allele origin: germline. Affected: yes.
Comment: In silico analysis, which includes protein predictors and evolutionary conservation, supports that this variant does not alter protein structure/function; Has not been previously published as pathogenic or benign to our knowledge

Breakthrough Genomics
Classification: Uncertain significance. Review status: criteria provided, single submitter. Criteria: ACMG Guidelines, 2015. Collection method: not provided. Allele origin: germline. Inheritance: Autosomal recessive inheritance. Affected: yes.